The following is an entry in ClinVar:

NM_003322.6(TULP1):c.5C>A (p.Pro2His)

Gene: TULP1 (TUB like protein 1; minus strand). Cytogenetic location: 6p21.31.
Variant type: single nucleotide variant.
Coding change: c.5C>A on transcript NM_003322.6 (MANE Select); coding-DNA position 5, C replaced by A.
Protein change: p.Pro2His; replaces proline 2 with histidine.
Molecular consequence: missense variant.
Genome position (GRCh38, 1-based): chr6:35,512,854, G>T on the plus strand (C>A on the coding strand, the complement: TULP1 is on the minus strand). VCF-style: chr6-35512854-G-T. GRCh37 (hg19) VCF-style: chr6-35480631-G-T.
Other names: c.5C>A, p.Pro2His (NM_001289395.2); short protein forms P2H.
Identifiers: ClinVar variation 1297125 (VCV001297125.6), dbSNP rs1174952138, ClinGen allele CA363785516.

ClinVar aggregate classification (germline): Uncertain significance. Review status: criteria provided, multiple submitters, no conflicts (2 of 4 stars). 2 submissions from 2 submitters: Uncertain significance (2). Last evaluated 2022-04-06.

Conditions:
Retinitis pigmentosa (RP). Identifiers: Orphanet 791, MedGen C0035334, MeSH D012174, MONDO:0019200, OMIM 268000. Inheritance: Autosomal dominant, autosomal recessive and X linked inheritance.

Allele frequency attached by ClinVar (database versions not stated): gnomAD exomes below 0.00001.
gnomAD v4.1: 4 of 1,612,874 alleles (0.00025%); highest among the groups gnomAD compares: African/African-American, 0.004%; no homozygotes.

Submissions (2):

Labcorp Genetics (formerly Invitae), Labcorp
Classification: Uncertain significance. Last evaluated: 2022-04-06. Review status: criteria provided, single submitter. Criteria: Invitae Variant Classification Sherloc (09022015). Collection method: clinical testing. Allele origin: germline.
Comment: In summary, the available evidence is currently insufficient to determine the role of this variant in disease. Therefore, it has been classified as a Variant of Uncertain Significance. Algorithms developed to predict the effect of missense changes on protein structure and function are either unavailable or do not agree on the potential impact of this missense change (SIFT: "Not Available"; PolyPhen-2: "Probably Damaging"; Align-GVGD: "Not Available"). ClinVar contains an entry for this variant (Variation ID: 1297125). This variant has not been reported in the literature in individuals affected with TULP1-related conditions. This variant is present in population databases (no rsID available, gnomAD 0.007%). This sequence change replaces proline, which is neutral and non-polar, with histidine, which is basic and polar, at codon 2 of the TULP1 protein (p.Pro2His).

Broad Center for Mendelian Genomics, Broad Institute of MIT and Harvard
Classification: Uncertain significance for Retinitis pigmentosa. Last evaluated: 2021-04-01. Review status: criteria provided, single submitter. Criteria: ACMG Guidelines, 2015. Collection method: curation. Allele origin: germline. Inheritance: Autosomal recessive inheritance. Affected: yes.
Comment: Through a review of available evidence we were able to apply the following criteria: PM2, PP3. Based on this evidence we have classified this variant as a Variant of Uncertain Significance. If you have any questions about the classification please reach out to the Pierce Lab.

Literature cited by the submitters: PubMed 34906470 (cited by Broad Center for Mendelian Genomics, Broad Institute of MIT and Harvard).